The following is an entry in ClinVar:

ClinVar aggregate classification (germline): Uncertain significance (1 of 4 stars; one submission).

Conditions:
Neuroblastoma, susceptibility to, 3. Also called: ALK-Related Neuroblastic Tumor Susceptibility. Identifiers: Orphanet 635, MedGen C2751681, MONDO:0013083, OMIM 613014.

Submission:

Labcorp Genetics (formerly Invitae), Labcorp
Classification: Uncertain significance for Neuroblastoma, susceptibility to, 3. Last evaluated: 2022-09-01. Review status: criteria provided, single submitter. Criteria: Invitae Variant Classification Sherloc (09022015). Collection method: clinical testing. Allele origin: germline.
Comment: In summary, the available evidence is currently insufficient to determine the role of this variant in disease. Therefore, it has been classified as a Variant of Uncertain Significance. ClinVar contains an entry for this variant (Variation ID: 1409456). This variant has not been reported in the literature in individuals affected with ALK-related conditions. This variant is not present in population databases (gnomAD no frequency). This sequence change creates a premature translational stop signal (p.Val1180Cysfs*105) in the ALK gene. It is expected to result in an absent or disrupted protein product. However, the current clinical and genetic evidence is not sufficient to establish whether loss-of-function variants in ALK cause disease.

NM_004304.5(ALK):c.3537dup (p.Val1180fs)

Gene: ALK (ALK receptor tyrosine kinase; minus strand). Cytogenetic location: 2p23.2.
Variant type: Duplication.
Coding change: c.3537dup on transcript NM_004304.5 (MANE Select); coding-DNA position 3537, one base duplicated (T; older notation c.3537dupT).
Protein change: p.Val1180fs; shifts the reading frame from valine 1180.
Molecular consequence: frameshift variant.
Genome position (GRCh38, 1-based): chr2:29,220,814, A duplicated on the plus strand (T on the coding strand, the reverse complement: ALK is on the minus strand); the first of 2 consecutive A bases (chr2:29,220,814-29,220,815); duplicating either gives the same sequence. VCF-style (leftmost placement, unchanged base first): chr2-29220813-C-CA. GRCh37 (hg19) VCF-style: chr2-29443679-C-CA.
Other names: c.333dup, p.Val112fs (NM_001353765.2); short protein forms V1180fs, V112fs.
Identifiers: ClinVar variation 1409456 (VCV001409456.6), dbSNP rs2148166666, ClinGen allele CA2573134529.
Genomic context (GRCh38, chr2:29,220,813, plus strand): 5'-CCATGAGCTCCAGCAGGATGAACCGGGGCAGGGATTGCAGGCTCACCCCAATGCAGCGAA[C>CA]AATGTTCTGGTGGTTGAATTTGCTGCAGAGCAGAGAGGGATGTAACCAAAATTAACTGAG-3'